The following is an entry in ClinVar:

ClinVar aggregate classification (germline): Conflicting classifications of pathogenicity. Review status: criteria provided, conflicting classifications (1 of 4 stars). 4 submissions from 4 submitters: Uncertain significance (2); Likely benign (1). 1 of the submissions does not count toward it. Last evaluated 2025-02-26.

Conditions:
Alstrom syndrome (ALMS). Identifiers: Orphanet 64, MedGen C0268425, MONDO:0008763, OMIM 203800.
Cardiovascular phenotype. Identifiers: MedGen CN230736.

Allele frequency attached by ClinVar (database versions not stated): gnomAD exomes 0.00003 and 0.00004; ExAC 0.00004; ESP Exome Variant Server 0.00008; 1000 Genomes Project 30x 0.00016; gnomAD 0.00018 and 0.00019; 1000 Genomes Project 0.00020.
gnomAD v4.1: 72 of 1,612,214 alleles (0.0045%); highest among the groups gnomAD compares: African/African-American, 0.05%; no homozygotes.

Submissions (4):

GeneDx
Classification: Uncertain significance. Last evaluated: 2025-02-26. Review status: criteria provided, single submitter. Criteria: GeneDx Variant Classification Process June 2021. Collection method: clinical testing. Allele origin: germline. Affected: yes.
Comment: In silico analysis indicates that this missense variant does not alter protein structure/function; Has not been previously published as pathogenic or benign to our knowledge

Ambry Genetics
Classification: Likely benign for Cardiovascular phenotype. Last evaluated: 2023-10-26. Review status: criteria provided, single submitter. Criteria: Ambry Variant Classification Scheme 2023. Collection method: clinical testing. Allele origin: germline.

Labcorp Genetics (formerly Invitae), Labcorp
Classification: Uncertain significance for Alstrom syndrome. Last evaluated: 2022-09-27. Review status: criteria provided, single submitter. Criteria: Invitae Variant Classification Sherloc (09022015). Collection method: clinical testing. Allele origin: germline.
Comment: This sequence change replaces histidine, which is basic and polar, with arginine, which is basic and polar, at codon 1351 of the ALMS1 protein (p.His1351Arg). This variant is present in population databases (rs373366352, gnomAD 0.06%). This variant has not been reported in the literature in individuals affected with ALMS1-related conditions. ClinVar contains an entry for this variant (Variation ID: 837210). In summary, the available evidence is currently insufficient to determine the role of this variant in disease. Therefore, it has been classified as a Variant of Uncertain Significance.

Natera, Inc.
Classification: Likely benign for Alstrom syndrome. Last evaluated: 2020-05-02. Review status: no assertion criteria provided. Collection method: clinical testing. Allele origin: germline. Not counted in ClinVar's aggregate classification.

NM_001378454.1(ALMS1):c.4049A>G (p.His1350Arg)

Gene: ALMS1 (ALMS1 centrosome and basal body associated protein; plus strand). Cytogenetic location: 2p13.1.
Variant type: single nucleotide variant.
Coding change: c.4049A>G on transcript NM_001378454.1 (MANE Select); coding-DNA position 4049, A replaced by G.
Protein change: p.His1350Arg; replaces histidine 1350 with arginine.
Molecular consequence: missense variant.
Genome position (GRCh38, 1-based): chr2:73,450,576, A>G. VCF-style: chr2-73450576-A-G. GRCh37 (hg19) VCF-style: chr2-73677703-A-G.
Other names: c.4052A>G, p.His1351Arg (NM_015120.4); short protein forms H1351R, H1350R.
Identifiers: ClinVar variation 837210 (VCV000837210.11), dbSNP rs373366352, ClinGen allele CA1713629.